The following is an entry in ClinVar:

NM_001267550.2(TTN):c.42851G>A (p.Arg14284His)

Gene: TTN (titin; minus strand). Cytogenetic location: 2q31.2.
Variant type: single nucleotide variant.
Coding change: c.42851G>A on transcript NM_001267550.2 (MANE Select); coding-DNA position 42851, G replaced by A.
Protein change: p.Arg14284His; replaces arginine 14284 with histidine.
Molecular consequence: missense variant.
Genome position (GRCh38, 1-based): chr2:178,633,508, C>T on the plus strand (G>A on the coding strand, the complement: TTN is on the minus strand). VCF-style: chr2-178633508-C-T. GRCh37 (hg19) VCF-style: chr2-179498235-C-T.
Other names: c.37928G>A, p.Arg12643His (NM_001256850.1); c.15656G>A, p.Arg5219His (NM_003319.4); c.35147G>A, p.Arg11716His (NM_133378.4); c.16031G>A, p.Arg5344His (NM_133432.3); c.16232G>A, p.Arg5411His (NM_133437.4); short protein forms R14284H, R12643H, R11716H, R5411H, R5219H, R5344H.
Identifiers: ClinVar variation 404718 (VCV000404718.17), dbSNP rs368572799, ClinGen allele CA1996006.

ClinVar aggregate classification (germline): Conflicting classifications of pathogenicity. Review status: criteria provided, conflicting classifications (1 of 4 stars). 10 submissions from 9 submitters: Uncertain significance (7); Likely benign (2). 1 of the submissions does not count toward it. Last evaluated 2026-08-27.

Conditions:
Cardiomyopathy (CMYO). Also called: Cardiomyopathies. Identifiers: Orphanet 167848, MedGen C0878544, MONDO:0004994, HP:0001638. Inheritance: Various modes of inheritance.
TTN-related disorder. Also called: TTN-related disorders; TTN-related condition; TTN-related disease.
Dilated cardiomyopathy 1G (CMD1G). Identifiers: Orphanet 154, MedGen C1858763, MONDO:0011400, OMIM 604145.
Autosomal recessive limb-girdle muscular dystrophy type 2J (LGMDR10). Also called: Limb-girdle muscular dystrophy, type 2J; MUSCULAR DYSTROPHY, LIMB-GIRDLE, AUTOSOMAL RECESSIVE 10. Identifiers: Orphanet 140922, MedGen C1837342, MONDO:0012127, OMIM 608807.
Cardiovascular phenotype. Identifiers: MedGen CN230736.
Myopathy, myofibrillar, 9, with early respiratory failure (MFM9). Also called: EDSTROM MYOPATHY; MYOPATHY, PROXIMAL, WITH EARLY RESPIRATORY MUSCLE INVOLVEMENT; Hereditary myopathy with early respiratory failure; Myopathy, distal, with early respiratory failure, autosomal dominant. Identifiers: Orphanet 178464, Orphanet 34521, MedGen C1863599, MONDO:0011362, OMIM 603689.
Early-onset myopathy with fatal cardiomyopathy (CMYO5). Also called: Salih Myopathy; CONGENITAL MYOPATHY 5 WITH CARDIOMYOPATHY. Identifiers: Orphanet 289377, MedGen C2673677, MONDO:0012714, OMIM 611705. Disease mechanism: loss of function.
Hypertrophic cardiomyopathy 9. Also called: Familial hypertrophic cardiomyopathy 9. Identifiers: MedGen C1861065, MONDO:0013412, OMIM 613765.
Tibial muscular dystrophy (TMD). Also called: UDD MYOPATHY; Tibial muscular dystrophy, tardive; Udd Distal Myopathy – Tibial Muscular Dystrophy. Identifiers: Orphanet 609, MedGen C1838244, MONDO:0010870, OMIM 600334.
Familial long QT syndrome (RWS). Also called: Congenital long QT syndrome; VENTRICULAR FIBRILLATION WITH PROLONGED QT INTERVAL; Romano-Ward syndrome. Identifiers: Orphanet 768, MedGen C1141890, MONDO:0019171.

Allele frequency attached by ClinVar (database versions not stated): gnomAD exomes 0.00004; TOPMed 0.00010; ESP Exome Variant Server 0.00017; ExAC 0.00003.
gnomAD v4.1: 52 of 1,613,124 alleles (0.0032%); highest among the groups gnomAD compares: East Asian, 0.02%; no homozygotes.

Submissions (10):

PreventionGenetics, part of Exact Sciences
Classification: Uncertain significance for TTN-related condition. Last evaluated: 2026-08-27. Review status: criteria provided, single submitter. Criteria: ACMG Guidelines, 2015. Collection method: clinical testing. Allele origin: germline.
Comment: The TTN c.42851G>A variant is predicted to result in the amino acid substitution p.Arg14284His. This variant has been reported in an individual presenting with dilated cardiomyopathy; however, pathogenicity or segregation data was not provided (Supplemental Table 3, Mazzarotto et al. 2020. PubMed ID: 31983221). This variant is reported in 0.036% of alleles in individuals of East Asian descent in gnomAD. At this time, the clinical significance of this variant is uncertain due to the absence of conclusive functional and genetic evidence.

Blueprint Genetics
Classification: Likely benign. Last evaluated: 2024-06-18. Review status: criteria provided, single submitter. Criteria: ACMG Guidelines, 2015. Collection method: clinical testing. Allele origin: germline.

Revvity Omics, Revvity
Classification: Uncertain significance. Last evaluated: 2022-11-24. Review status: criteria provided, single submitter. Criteria: ACMG Guidelines, 2015. Collection method: clinical testing. Allele origin: germline.

Fulgent Genetics
Classification: Uncertain significance for Tibial muscular dystrophy; Myopathy, myofibrillar, 9, with early respiratory failure; Dilated cardiomyopathy 1G; Autosomal recessive limb-girdle muscular dystrophy type 2J; Early-onset myopathy with fatal cardiomyopathy; Hypertrophic cardiomyopathy 9. Last evaluated: 2021-11-09. Review status: criteria provided, single submitter. Criteria: ACMG Guidelines, 2015. Collection method: clinical testing. Allele origin: unknown.

Ambry Genetics
Classification: Likely benign for Cardiovascular phenotype. Last evaluated: 2019-09-05. Review status: criteria provided, single submitter. Criteria: Ambry Variant Classification Scheme 2023. Collection method: clinical testing. Allele origin: germline.

Center for Advanced Laboratory Medicine, UC San Diego Health, University of California San Diego
Classification: Uncertain significance for Cardiomyopathy. Last evaluated: 2019-06-03. Review status: criteria provided, single submitter. Criteria: ACMG Guidelines, 2015. Collection method: clinical testing. Allele origin: germline. Affected: yes. Observed: 1 variant allele.

Genomic Research Center, Shahid Beheshti University of Medical Sciences
Classification: Uncertain significance for Limb-girdle muscular dystrophy, type 2J. Last evaluated: 2018-08-07. Review status: criteria provided, single submitter. Criteria: ACMG Guidelines, 2015. Collection method: clinical testing. Allele origin: inherited. Affected: yes. Observed: 1 variant allele.

Genomic Research Center, Shahid Beheshti University of Medical Sciences
Classification: Uncertain significance for Myopathy, early-onset, with fatal cardiomyopathy. Last evaluated: 2018-08-07. Review status: criteria provided, single submitter. Criteria: ACMG Guidelines, 2015. Collection method: clinical testing. Allele origin: inherited. Affected: yes. Observed: 1 variant allele.

Labcorp Genetics (formerly Invitae), Labcorp
Classification: Uncertain significance for Dilated cardiomyopathy 1G; Autosomal recessive limb-girdle muscular dystrophy type 2J. Last evaluated: 2017-11-15. Review status: criteria provided, single submitter. Criteria: Invitae Variant Classification Sherloc (09022015). Collection method: clinical testing. Allele origin: germline.

Genetics and Genomics Program, Sidra Medicine
Classification: Uncertain significance for Isolated congenital long QT syndrome. Review status: no assertion criteria provided. Collection method: research. Allele origin: unknown. Affected: yes. Not counted in ClinVar's aggregate classification.
Comment: It has a gnomAD frequency of 3.19E-05 (PM2) and is located in a critical region of the gene (PP2). ACMG codes: PM2, PP2, BP1.